The following is an entry in ClinVar:

ClinVar aggregate classification (germline): Uncertain significance (1 of 4 stars; one submission).

Conditions:
Congenital disorder of deglycosylation (CDDG). Identifiers: MedGen C3808991, MONDO:0031376.

Allele frequency attached by ClinVar (database versions not stated): TOPMed 0.00003.
gnomAD v4.1: 1 of 1,611,822 alleles (0.000062%); highest among the groups gnomAD compares: Non-Finnish European, 0.000085%; no homozygotes.

Submission:

Labcorp Genetics (formerly Invitae), Labcorp
Classification: Uncertain significance for Congenital disorder of deglycosylation. Last evaluated: 2022-10-17. Review status: criteria provided, single submitter. Criteria: Invitae Variant Classification Sherloc (09022015). Collection method: clinical testing. Allele origin: germline.
Comment: This sequence change replaces proline, which is neutral and non-polar, with serine, which is neutral and polar, at codon 67 of the NGLY1 protein (p.Pro67Ser). This variant is present in population databases (no rsID available, gnomAD 0.0009%). This variant has not been reported in the literature in individuals affected with NGLY1-related conditions. ClinVar contains an entry for this variant (Variation ID: 1398196). Advanced modeling of protein sequence and biophysical properties (such as structural, functional, and spatial information, amino acid conservation, physicochemical variation, residue mobility, and thermodynamic stability) performed at Invitae indicates that this missense variant is not expected to disrupt NGLY1 protein function. In summary, the available evidence is currently insufficient to determine the role of this variant in disease. Therefore, it has been classified as a Variant of Uncertain Significance.

NM_018297.4(NGLY1):c.199C>T (p.Pro67Ser)

Gene: NGLY1 (N-glycanase 1; minus strand). Cytogenetic location: 3p24.2.
Variant type: single nucleotide variant.
Coding change: c.199C>T on transcript NM_018297.4 (MANE Select); coding-DNA position 199, C replaced by T.
Protein change: p.Pro67Ser; replaces proline 67 with serine.
Molecular consequence: missense variant.
Genome position (GRCh38, 1-based): chr3:25,778,621, G>A on the plus strand (C>T on the coding strand, the complement: NGLY1 is on the minus strand). VCF-style: chr3-25778621-G-A. GRCh37 (hg19) VCF-style: chr3-25820112-G-A.
Other names: c.199C>T, p.Pro67Ser (NM_001145293.2, NM_001145295.2); c.73C>T, p.Pro25Ser (NM_001145294.2); short protein forms P25S, P67S.
Identifiers: ClinVar variation 1398196 (VCV001398196.5), dbSNP rs1355136163, ClinGen allele CA351911011.